The following is an entry in ClinVar:

ClinVar aggregate classification (germline): Uncertain significance (1 of 4 stars; one submission).

Submission:

Labcorp Genetics (formerly Invitae), Labcorp
Classification: Uncertain significance. Last evaluated: 2026-01-22. Review status: criteria provided, single submitter. Criteria: Invitae Variant Classification Sherloc (09022015). Collection method: clinical testing. Allele origin: germline.
Comment: This sequence change replaces valine, which is neutral and non-polar, with methionine, which is neutral and non-polar, at codon 217 of the UCHL1 protein (p.Val217Met). This variant is present in population databases (rs770039881, gnomAD 0.003%). This variant has not been reported in the literature in individuals affected with UCHL1-related conditions. An algorithm developed to predict the effect of missense changes on protein structure and function (PolyPhen-2) suggests that this variant is likely to be disruptive. In summary, the available evidence is currently insufficient to determine the role of this variant in disease. Therefore, it has been classified as a Variant of Uncertain Significance.

NM_004181.5(UCHL1):c.649G>A (p.Val217Met)

Gene: UCHL1 (ubiquitin C-terminal hydrolase L1; plus strand). Cytogenetic location: 4p13.
Variant type: single nucleotide variant.
Coding change: c.649G>A on transcript NM_004181.5 (MANE Select); coding-DNA position 649, G replaced by A.
Protein change: p.Val217Met; replaces valine 217 with methionine.
Molecular consequence: missense variant.
Genome position (GRCh38, 1-based): chr4:41,268,050, G>A. VCF-style: chr4-41268050-G-A. GRCh37 (hg19) VCF-style: chr4-41270067-G-A.
Other names: short protein forms V217M.
Identifiers: ClinVar variation 4691561 (VCV004691561.1).